The following is an entry in ClinVar:

NM_000493.4(COL10A1):c.*13del

Genes: COL10A1 (collagen type X alpha 1 chain; minus strand), NT5DC1 (5'-nucleotidase domain containing 1; plus strand). Cytogenetic location: 6q22.1.
Variant type: Deletion.
Coding change: c.*13del on transcript NM_000493.4 (MANE Select); 13 bases downstream of the stop codon, one base deleted (C; older notation c.*13delC).
Molecular consequence: 3 prime UTR variant. On other transcripts: intron variant (1).
Genome position (GRCh38, 1-based): chr6:116,120,060, G deleted on the plus strand (C on the coding strand, the reverse complement: COL10A1 is on the minus strand). VCF-style (leftmost placement, unchanged base first): chr6-116120059-AG-A. GRCh37 (hg19) VCF-style: chr6-116441222-AG-A.
Other names: c.*13del (NM_001424106.1, NM_001424107.1); c.529+2115del (NM_152729.3); c.*13delC (NM_000493.4).
Identifiers: ClinVar variation 4853723 (VCV004853723.1), dbSNP rs201694987.
Genomic context (GRCh38, chr6:116,120,059, plus strand): 5'-ATGCATTTTGTAGGGTGGGGTAGAGTTAGAGAATGCTTTTTCTAGCACAAGATTTAGATT[AG>A]CTCTGTGTGTACTCACATTGGAGCCACTAGGAATCCTGAGAAAGAGGAGTGGACATACTC-3'

ClinVar aggregate classification (germline): Benign (1 of 4 stars; one submission).

Allele frequency attached by ClinVar (database versions not stated): 1000 Genomes Project 30x 0.02530; 1000 Genomes Project 0.00399; gnomAD exomes 0.01204; ExAC 0.02642; gnomAD 0.04951 and 0.05030; TOPMed 0.00819.

Submission:

Women's Health and Genetics/Laboratory Corporation of America, LabCorp
Classification: Benign. Last evaluated: 2026-05-21. Review status: criteria provided, single submitter. Criteria: LabCorp Variant Classification Summary - May 2015. Collection method: clinical testing. Allele origin: germline.
Comment: Variant summary: COL10A1 c.*13delC is located in the untranslated mRNA region downstream of the termination codon. The variant allele was found at a frequency of 0.013 in 1477454 control chromosomes in the gnomAD database, including 146 homozygotes. The observed variant frequency exceeds the estimated maximal expected allele frequency for disease-causing variants in COL10A1. To our knowledge, no occurrence of c.*13delC in individuals affected with COL10A1-related conditions and no experimental evidence demonstrating its impact on protein function have been reported. ClinVar contains an entry for this variant (Variation ID: 355088). Based on the evidence outlined above, the variant was classified as benign.